The following is an entry in ClinVar:

NM_000487.6(ARSA):c.637G>A (p.Asp213Asn)

Gene: ARSA (arylsulfatase A; minus strand). Cytogenetic location: 22q13.33.
Variant type: single nucleotide variant.
Coding change: c.637G>A on transcript NM_000487.6 (MANE Select); coding-DNA position 637, G replaced by A.
Protein change: p.Asp213Asn; replaces aspartic acid 213 with asparagine.
Molecular consequence: missense variant.
Genome position (GRCh38, 1-based): chr22:50,626,881, C>T on the plus strand (G>A on the coding strand, the complement: ARSA is on the minus strand). VCF-style: chr22-50626881-C-T. GRCh37 (hg19) VCF-style: chr22-51065309-C-T.
Other names: p.Asp211Asn; c.637G>A, p.Asp213Asn (NM_001085425.3, NM_001085426.3, NM_001085427.3); c.379G>A, p.Asp127Asn (NM_001085428.3, NM_001362782.2); c.631G>A (NM_000487.4); short protein forms D127N, D213N.
Identifiers: ClinVar variation 1220285 (VCV001220285.14), dbSNP rs369786038, ClinGen allele CA10324960.

ClinVar aggregate classification (germline): Uncertain significance. Review status: criteria provided, multiple submitters, no conflicts (2 of 4 stars). 4 submissions from 4 submitters: Uncertain significance (3). 1 of the submissions does not count toward it. Last evaluated 2025-01-06.

Conditions:
Metachromatic leukodystrophy (MLD). Also called: CEREBROSIDE SULFATASE DEFICIENCY; Arylsulfatase A Deficiency; METACHROMATIC LEUKOENCEPHALOPATHY; Cerebral sclerosis diffuse metachromatic form; SULFATIDE LIPIDOSIS; ARSA DEFICIENCY. Identifiers: Orphanet 512, MedGen C0023522, MONDO:0018868, OMIM 250100.

Allele frequency attached by ClinVar (database versions not stated): ExAC 0.00003; gnomAD exomes 0.00003; gnomAD 0.00006; TOPMed 0.00006; ESP Exome Variant Server 0.00015.

Submissions (4):

Labcorp Genetics (formerly Invitae), Labcorp
Classification: Uncertain significance for Metachromatic leukodystrophy. Last evaluated: 2025-01-06. Review status: criteria provided, single submitter. Criteria: Invitae Variant Classification Sherloc (09022015). Collection method: clinical testing. Allele origin: germline.
Comment: This sequence change replaces aspartic acid, which is acidic and polar, with asparagine, which is neutral and polar, at codon 213 of the ARSA protein (p.Asp213Asn). This variant is present in population databases (rs369786038, gnomAD 0.006%). This missense change has been observed in individual(s) with ARSA-related conditions (PMID: 37381728). ClinVar contains an entry for this variant (Variation ID: 1220285). Invitae Evidence Modeling of protein sequence and biophysical properties (such as structural, functional, and spatial information, amino acid conservation, physicochemical variation, residue mobility, and thermodynamic stability) has been performed for this missense variant. However, the output from this modeling did not meet the statistical confidence thresholds required to predict the impact of this variant on ARSA protein function. In summary, the available evidence is currently insufficient to determine the role of this variant in disease. Therefore, it has been classified as a Variant of Uncertain Significance.

Mayo Clinic Laboratories, Mayo Clinic
Classification: Uncertain significance. Last evaluated: 2021-04-06. Review status: criteria provided, single submitter. Criteria: ACMG Guidelines, 2015. Collection method: clinical testing. Allele origin: germline.

GeneDx
Classification: Uncertain significance. Last evaluated: 2019-03-21. Review status: criteria provided, single submitter. Criteria: GeneDx Variant Classification Process June 2021. Collection method: clinical testing. Allele origin: germline. Affected: yes.
Comment: Not observed at a significant frequency in large population cohorts (Lek et al., 2016); In silico analysis, which includes protein predictors and evolutionary conservation, supports that this variant does not alter protein structure/function; Has not been previously published as pathogenic or benign to our knowledge

Natera, Inc.
Classification: Uncertain significance for Metachromatic leukodystrophy. Last evaluated: 2020-11-09. Review status: no assertion criteria provided. Collection method: clinical testing. Allele origin: germline. Not counted in ClinVar's aggregate classification.

Literature cited by the submitters: PubMed 37381728 (cited by Labcorp Genetics (formerly Invitae), Labcorp).